The following is an entry in ClinVar:

NM_001430.5(EPAS1):c.1495G>A (p.Glu499Lys)

Gene: EPAS1 (endothelial PAS domain protein 1; plus strand). Cytogenetic location: 2p21.
Variant type: single nucleotide variant.
Coding change: c.1495G>A on transcript NM_001430.5 (MANE Select); coding-DNA position 1495, G replaced by A.
Protein change: p.Glu499Lys; replaces glutamic acid 499 with lysine.
Molecular consequence: missense variant.
Genome position (GRCh38, 1-based): chr2:46,378,708, G>A. VCF-style: chr2-46378708-G-A. GRCh37 (hg19) VCF-style: chr2-46605847-G-A.
Other names: short protein forms E499K.
Identifiers: ClinVar variation 1773879 (VCV001773879.2), dbSNP rs2546474604, ClinGen allele CA346704228.

ClinVar aggregate classification (germline): Uncertain significance (1 of 4 stars; one submission).

Conditions:
Inborn genetic diseases. Identifiers: MedGen C0950123, MeSH D030342.

Submission:

Ambry Genetics
Classification: Uncertain significance for Inborn genetic diseases. Last evaluated: 2021-07-20. Review status: criteria provided, single submitter. Criteria: Ambry Variant Classification Scheme 2023. Collection method: clinical testing. Allele origin: germline.
Comment: The p.E499K variant (also known as c.1495G>A), located in coding exon 11 of the EPAS1 gene, results from a G to A substitution at nucleotide position 1495. The glutamic acid at codon 499 is replaced by lysine, an amino acid with similar properties. This amino acid position is conserved. In addition, the in silico prediction for this alteration is inconclusive. Since supporting evidence is limited at this time, the clinical significance of this alteration remains unclear.